The following is an entry in ClinVar:

ClinVar aggregate classification (germline): Conflicting classifications of pathogenicity. Review status: criteria provided, conflicting classifications (1 of 4 stars). 3 submissions from 3 submitters: Uncertain significance (1); Likely benign (2). Last evaluated 2026-03-27.

Allele frequency attached by ClinVar (database versions not stated): ExAC 0.00002; gnomAD exomes 0.00002 and 0.00003; gnomAD 0.00002; TOPMed 0.00002.
gnomAD v4.1: 39 of 1,613,820 alleles (0.0024%); highest among the groups gnomAD compares: Non-Finnish European, 0.0032%; no homozygotes.

Submissions (3):

Molecular Diagnostic Laboratory for Inherited Cardiovascular Disease, Montreal Heart Institute
Classification: Likely benign. Last evaluated: 2026-03-27. Review status: criteria provided, single submitter. Criteria: ACMG Guidelines, 2015. Collection method: clinical testing. Allele origin: germline. Affected: no.
Comment: BP1

GeneDx
Classification: Likely benign. Last evaluated: 2018-03-13. Review status: criteria provided, single submitter. Criteria: GeneDx Variant Classification (06012015). Collection method: clinical testing. Allele origin: germline. Affected: yes.
Comment: This variant is considered likely benign or benign based on one or more of the following criteria: it is a conservative change, it occurs at a poorly conserved position in the protein, it is predicted to be benign by multiple in silico algorithms, and/or has population frequency not consistent with disease.

Laboratory for Molecular Medicine, Mass General Brigham Personalized Medicine
Classification: Uncertain significance. Last evaluated: 2014-06-19. Review status: criteria provided, single submitter. Criteria: LMM Criteria. Collection method: clinical testing. Allele origin: germline. Observed: 1 variant allele.
Comment: Variant classified as Uncertain Significance - Favor Benign. The Lys4262Arg vari ant in TTN has not been previously reported in individuals with cardiomyopathy o r in large population studies. Computational prediction tools and conservation a nalysis are limited, but suggest that this variant may not impact the protein, t hough this information is not predictive enough to rule out pathogenicity. In ad dition, 4 mammals (ferret, star-nosed mole, tenrec, and opossum) carry an argini ne (Arg) at this position, suggesting that this change may be tolerated. In sum mary, while the clinical significance of the Lys4262Arg variant is uncertain, th e presence of the variant amino acid in other mammals suggests that it is more l ikely to be benign.

NM_001267550.2(TTN):c.13499A>G (p.Lys4500Arg)

Gene: TTN (titin; minus strand). Cytogenetic location: 2q31.2.
Variant type: single nucleotide variant.
Coding change: c.13499A>G on transcript NM_001267550.2 (MANE Select); coding-DNA position 13499, A replaced by G.
Protein change: p.Lys4500Arg; replaces lysine 4500 with arginine.
Molecular consequence: missense variant. On other transcripts: intron variant (1).
Genome position (GRCh38, 1-based): chr2:178,739,734, T>C on the plus strand (A>G on the coding strand, the complement: TTN is on the minus strand). VCF-style: chr2-178739734-T-C. GRCh37 (hg19) VCF-style: chr2-179604461-T-C.
Other names: p.K4183R:AAA>AGA; c.12410A>G, p.Lys4137Arg (NM_003319.4); c.12986A>G, p.Lys4329Arg (NM_133437.4); c.10361-1374A>G (NM_133378.4); c.12548A>G, p.Lys4183Arg (NM_001256850.1); c.12785A>G, p.Lys4262Arg (NM_133432.3); short protein forms K4262R, K4500R, K4183R, K4137R, K4329R.
Identifiers: ClinVar variation 166233 (VCV000166233.7), dbSNP rs727503655, ClinGen allele CA179019.